The following is an entry in ClinVar:

NM_006218.4(PIK3CA):c.1193G>C (p.Arg398Pro)

Gene: PIK3CA (phosphatidylinositol-4,5-bisphosphate 3-kinase catalytic subunit alpha; plus strand). Cytogenetic location: 3q26.32.
Variant type: single nucleotide variant.
Coding change: c.1193G>C on transcript NM_006218.4 (MANE Select); coding-DNA position 1193, G replaced by C.
Protein change: p.Arg398Pro; replaces arginine 398 with proline.
Molecular consequence: missense variant.
Genome position (GRCh38, 1-based): chr3:179,209,642, G>C. VCF-style: chr3-179209642-G-C. GRCh37 (hg19) VCF-style: chr3-178927430-G-C.
Other names: short protein forms R398P.
Identifiers: ClinVar variation 1745488 (VCV001745488.5), dbSNP rs748197872, ClinGen allele CA355261399.
Genomic context (GRCh38, chr3:179,209,642, plus strand): 5'-AAATTTTACATAGGTGGAATGAATGGCTGAATTATGATATATACATTCCTGATCTTCCTC[G>C]TGCTGCTCGACTTTGCCTTTCCATTTGCTCTGTTAAAGGCCGAAAGGGTGCTAAAGAGGT-3'
Protein context (NP_006209.2, residues 388-408): NYDIYIPDLP[Arg398Pro]AARLCLSICS

ClinVar aggregate classification (germline): Uncertain significance. Review status: criteria provided, multiple submitters, no conflicts (2 of 4 stars). 2 submissions from 2 submitters: Uncertain significance (2). Last evaluated 2023-10-29.

Conditions:
Cowden syndrome (CS). Also called: Cowden's disease; Cowden's syndrome; Cowden disease. Identifiers: Orphanet 201, MedGen C0018553, MONDO:0016063. Disease mechanism: gain of function.
Inborn genetic diseases. Identifiers: MedGen C0950123, MeSH D030342.

gnomAD v4.1: 1 of 1,612,262 alleles (0.000062%); highest among the groups gnomAD compares: Non-Finnish European, 0.000085%; no homozygotes.

Submissions (2):

Labcorp Genetics (formerly Invitae), Labcorp
Classification: Uncertain significance for Cowden syndrome. Last evaluated: 2023-10-29. Review status: criteria provided, single submitter. Criteria: Invitae Variant Classification Sherloc (09022015). Collection method: clinical testing. Allele origin: germline.
Comment: This sequence change replaces arginine, which is basic and polar, with proline, which is neutral and non-polar, at codon 398 of the PIK3CA protein (p.Arg398Pro). This variant is not present in population databases (gnomAD no frequency). This variant has not been reported in the literature in individuals affected with PIK3CA-related conditions. ClinVar contains an entry for this variant (Variation ID: 1745488). Advanced modeling of protein sequence and biophysical properties (such as structural, functional, and spatial information, amino acid conservation, physicochemical variation, residue mobility, and thermodynamic stability) has been performed at Invitae for this missense variant, however the output from this modeling did not meet the statistical confidence thresholds required to predict the impact of this variant on PIK3CA protein function. In summary, the available evidence is currently insufficient to determine the role of this variant in disease. Therefore, it has been classified as a Variant of Uncertain Significance.

Ambry Genetics
Classification: Uncertain significance for Inborn genetic diseases. Last evaluated: 2022-01-31. Review status: criteria provided, single submitter. Criteria: Ambry Variant Classification Scheme 2023. Collection method: clinical testing. Allele origin: germline.
Comment: The p.R398P variant (also known as c.1193G>C), located in coding exon 6 of the PIK3CA gene, results from a G to C substitution at nucleotide position 1193. The arginine at codon 398 is replaced by proline, an amino acid with dissimilar properties. This amino acid position is conserved. In addition, this alteration is predicted to be deleterious by in silico analysis. Since supporting evidence is limited at this time, the clinical significance of this alteration remains unclear.